The following is an entry in ClinVar:

NM_021975.4(RELA):c.298T>A (p.Tyr100Asn)

Gene: RELA (RELA proto-oncogene, NF-kB subunit; minus strand). Cytogenetic location: 11q13.1.
Variant type: single nucleotide variant.
Coding change: c.298T>A on transcript NM_021975.4 (MANE Select); coding-DNA position 298, T replaced by A.
Protein change: p.Tyr100Asn; replaces tyrosine 100 with asparagine.
Molecular consequence: missense variant. On other transcripts: synonymous variant (1).
Genome position (GRCh38, 1-based): chr11:65,661,724, A>T on the plus strand (T>A on the coding strand, the complement: RELA is on the minus strand). VCF-style: chr11-65661724-A-T. GRCh37 (hg19) VCF-style: chr11-65429195-A-T.
Other names: c.298T>A, p.Tyr100Asn (NM_001145138.2, NM_001243984.2, NM_001243985.2 and 2 more transcripts); c.331T>A, p.Tyr111Asn (NM_001404657.1); c.271T>A, p.Tyr91Asn (NM_001404658.1); c.9T>A, p.Ser3= (NM_001404661.1); c.205T>A, p.Tyr69Asn (NM_001404662.1, NM_001404663.1); short protein forms Y69N, Y91N, Y100N, Y111N.
Identifiers: ClinVar variation 2103590 (VCV002103590.4), dbSNP rs1358445187, ClinGen allele CA381394271.

ClinVar aggregate classification (germline): Uncertain significance (1 of 4 stars; one submission).

Submission:

Labcorp Genetics (formerly Invitae), Labcorp
Classification: Uncertain significance. Last evaluated: 2022-02-25. Review status: criteria provided, single submitter. Criteria: Invitae Variant Classification Sherloc (09022015). Collection method: clinical testing. Allele origin: germline.
Comment: In summary, the available evidence is currently insufficient to determine the role of this variant in disease. Therefore, it has been classified as a Variant of Uncertain Significance. Algorithms developed to predict the effect of missense changes on protein structure and function (SIFT, PolyPhen-2, Align-GVGD) all suggest that this variant is likely to be disruptive. This variant has not been reported in the literature in individuals affected with RELA-related conditions. This variant is not present in population databases (gnomAD no frequency). This sequence change replaces tyrosine, which is neutral and polar, with asparagine, which is neutral and polar, at codon 100 of the RELA protein (p.Tyr100Asn).